The following is an entry in ClinVar:

NM_000722.4(CACNA2D1):c.58G>C (p.Gly20Arg)

Gene: CACNA2D1 (calcium voltage-gated channel auxiliary subunit alpha2delta 1; minus strand). Cytogenetic location: 7q21.11.
Variant type: single nucleotide variant.
Coding change: c.58G>C on transcript NM_000722.4 (MANE Select); coding-DNA position 58, G replaced by C.
Protein change: p.Gly20Arg; replaces glycine 20 with arginine.
Molecular consequence: missense variant.
Genome position (GRCh38, 1-based): chr7:82,443,402, C>G on the plus strand (G>C on the coding strand, the complement: CACNA2D1 is on the minus strand). VCF-style: chr7-82443402-C-G. GRCh37 (hg19) VCF-style: chr7-82072718-C-G.
Other names: c.58G>C, p.Gly20Arg (NM_001302890.2, NM_001366867.1); short protein forms G20R.
Identifiers: ClinVar variation 2196349 (VCV002196349.5), dbSNP rs201211703, ClinGen allele CA161649319.
Genomic context (GRCh38, chr7:82,443,402, plus strand): 5'-CCCTGCCCGGCCCGCCGACTTACGTGACGGCCGAAGGGAACGGCTCCTCCGACGAGGGGC[C>G]GATGAGCAAAGATTGGAAAAGTGTCAGAGTCAAGGCCAGCAGGCAGCCAGCAGCCATCTT-3'
Protein context (NP_000713.2, residues 10-30): TLTLFQSLLI[Gly20Arg]PSSEEPFPSA

ClinVar aggregate classification (germline): Uncertain significance. Review status: criteria provided, multiple submitters, no conflicts (2 of 4 stars). 2 submissions from 2 submitters: Uncertain significance (2). Last evaluated 2023-11-28.

Conditions:
Cardiovascular phenotype. Identifiers: MedGen CN230736.
Brugada syndrome. Also called: Sudden unexpected nocturnal death syndrome; Sudden Unexplained Death Syndrome; Sudden Unexplained Nocturnal Death Syndrome (SUNDS); Sudden unexplained nocturnal death syndrome. Identifiers: Orphanet 130, MedGen C1142166, MONDO:0015263.

gnomAD v4.1: 2 of 1,606,110 alleles (0.00012%); highest among the groups gnomAD compares: Non-Finnish European, 0.00017%; no homozygotes.

Submissions (2):

Ambry Genetics
Classification: Uncertain significance for Cardiovascular phenotype. Last evaluated: 2023-11-28. Review status: criteria provided, single submitter. Criteria: Ambry Variant Classification Scheme 2023. Collection method: clinical testing. Allele origin: germline.
Comment: The p.G20R variant (also known as c.58G>C), located in coding exon 1 of the CACNA2D1 gene, results from a G to C substitution at nucleotide position 58. The glycine at codon 20 is replaced by arginine, an amino acid with dissimilar properties. This amino acid position is conserved. In addition, this alteration is predicted to be tolerated by in silico analysis. Since supporting evidence is limited at this time, the clinical significance of this alteration remains unclear.

Labcorp Genetics (formerly Invitae), Labcorp
Classification: Uncertain significance for Brugada syndrome. Last evaluated: 2022-10-07. Review status: criteria provided, single submitter. Criteria: Invitae Variant Classification Sherloc (09022015). Collection method: clinical testing. Allele origin: germline.
Comment: This sequence change replaces glycine, which is neutral and non-polar, with arginine, which is basic and polar, at codon 20 of the CACNA2D1 protein (p.Gly20Arg). This variant is not present in population databases (gnomAD no frequency). This variant has not been reported in the literature in individuals affected with CACNA2D1-related conditions. Algorithms developed to predict the effect of missense changes on protein structure and function output the following: SIFT: "Tolerated"; PolyPhen-2: "Benign"; Align-GVGD: "Class C0". The arginine amino acid residue is found in multiple mammalian species, which suggests that this missense change does not adversely affect protein function. In summary, the available evidence is currently insufficient to determine the role of this variant in disease. Therefore, it has been classified as a Variant of Uncertain Significance.